The following is an entry in ClinVar:

ClinVar aggregate classification (germline): Conflicting classifications of pathogenicity. Review status: criteria provided, conflicting classifications (1 of 4 stars). 13 submissions from 13 submitters: Uncertain significance (9); Likely benign (2). 2 of the submissions do not count toward it. Last evaluated 2025-11-04.

Conditions:
Hereditary breast ovarian cancer syndrome. Also called: Hereditary breast and ovarian cancer syndrome; Hereditary breast and ovarian cancer; Hereditary breast and ovarian cancer syndrome (HBOC); Breast and ovarian cancer; Hereditary breast and/or ovarian cancer syndrome; BRCA1- and BRCA2-Associated Hereditary Breast and Ovarian Cancer. Identifiers: Orphanet 145, MedGen C0677776, MeSH D061325, MONDO:0003582. Disease mechanism: loss of function.
Hereditary cancer-predisposing syndrome. Also called: Neoplastic Syndromes, Hereditary; Tumor predisposition; Hereditary neoplastic syndrome; Hereditary Cancer Syndrome. Identifiers: Orphanet 140162, MedGen C0027672, MeSH D009386, MONDO:0015356.
Familial cancer of breast. Also called: BREAST CANCER, FAMILIAL; Hereditary breast cancer; hereditary breast carcinoma. Identifiers: Orphanet 227535, MedGen C0346153, MONDO:0016419, OMIM 114480. Disease mechanism: loss of function.
Breast-ovarian cancer, familial, susceptibility to, 2 (BROVCA2). Also called: BRCA2 Hereditary Breast and Ovarian Cancer. Identifiers: Orphanet 145, MedGen C2675520, MONDO:0012933, OMIM 612555. Disease mechanism: loss of function.

Allele frequency attached by ClinVar (database versions not stated): ExAC 0.00007; ESP Exome Variant Server 0.00008; gnomAD 0.00001; TOPMed 0.00001; gnomAD exomes 0.00003.
gnomAD v4.1: 20 of 1,613,234 alleles (0.0012%); highest among the groups gnomAD compares: Non-Finnish European, 0.0017%; no homozygotes.

Submissions 1 to 9 of 13:

Labcorp Genetics (formerly Invitae), Labcorp
Classification: Uncertain significance for Hereditary breast ovarian cancer syndrome. Last evaluated: 2025-11-04. Review status: criteria provided, single submitter. Criteria: Invitae Variant Classification Sherloc (09022015). Collection method: clinical testing. Allele origin: germline.
Comment: This sequence change replaces leucine, which is neutral and non-polar, with tryptophan, which is neutral and slightly polar, at codon 2972 of the BRCA2 protein (p.Leu2972Trp). This variant is present in population databases (rs80359142, gnomAD 0.006%). This missense change has been observed in individual(s) with breast cancer, ovarian cancer, and/or prostate cancer (PMID: 29752822, 32438681, 32853339). ClinVar contains an entry for this variant (Variation ID: 52700). Invitae Evidence Modeling of protein sequence and biophysical properties (such as structural, functional, and spatial information, amino acid conservation, physicochemical variation, residue mobility, and thermodynamic stability) indicates that this missense variant is not expected to disrupt BRCA2 protein function with a negative predictive value of 95%. Experimental studies have shown that this missense change does not substantially affect BRCA2 function (PMID: 22771033). In summary, the available evidence is currently insufficient to determine the role of this variant in disease. Therefore, it has been classified as a Variant of Uncertain Significance.

Color Diagnostics, LLC DBA Color Health
Classification: Uncertain significance for Hereditary cancer-predisposing syndrome. Last evaluated: 2025-09-04. Review status: criteria provided, single submitter. Criteria: ACMG Guidelines, 2015. Collection method: clinical testing. Allele origin: germline.
Comment: This missense variant replaces leucine with tryptophan at codon 2972 of the BRCA2 protein. Computational prediction suggests that this variant may not impact protein structure and function. Functional studies have reported that this variant has a partial or no impact on BRCA2 function in homology-mediated DNA repair assays, a haploid cell proliferation assay and in sensitivity assays to cisplatin and PARP inhibitor (PMID: 29394989, 35736817, 39779848, 39779857) and inconclusive impact in sensitivity assays to carboplatin and PARP inhibitors and a homology-mediated DNA repair assay (PMID: 29884841, 32444794). This variant has been reported in at least three individuals affected with breast and/or ovarian cancer and two individuals affected with prostate cancer (PMID: 29752822, 32438681, 32853339) and it has been detected in a breast cancer case-control meta-analysis in 3/60466 cases and 7/53461 unaffected individuals (PMID: 33471991Leiden Open Variation Database DB-ID BRCA2_000383). A multifactorial analysis has reached a combined likelihood ratio (LR) of 1.562 based on reported LR for co-occurrence with a pathogenic variant and personal and family history for 2 carriers (PMID: 31853058). This variant has been identified in 8/249366 chromosomes in the general population by the Genome Aggregation Database (gnomAD). The available evidence is insufficient to determine the role of this variant in disease conclusively. Therefore, this variant is classified as a Variant of Uncertain Significance.

Ambry Genetics
Classification: Likely benign for Hereditary cancer-predisposing syndrome. Last evaluated: 2025-05-15. Review status: criteria provided, single submitter. Criteria: Ambry Variant Classification Scheme 2023. Collection method: clinical testing. Allele origin: germline.

Center for Genomic Medicine, Rigshospitalet, Copenhagen University Hospital
Classification: Uncertain significance. Last evaluated: 2025-03-04. Review status: criteria provided, single submitter. Criteria: ACMG Guidelines, 2015. Collection method: clinical testing. Allele origin: germline.

Department of Clinical Genetics, Copenhagen University Hospital, Rigshospitalet
Classification: Likely benign for Breast-ovarian cancer, familial, susceptibility to, 2. Last evaluated: 2024-07-17. Review status: criteria provided, single submitter. Criteria: ACMG Guidelines, 2015. Collection method: clinical testing. Allele origin: germline.
Comment: The following ACMG criteria is used: BS1_Supporting; BP4 (BayesDel score 0.12), BS3 (PMID: 38417439)

All of Us Research Program, National Institutes of Health
Classification: Uncertain significance for Breast-ovarian cancer, familial, susceptibility to, 2. Last evaluated: 2023-12-21. Review status: criteria provided, single submitter. Criteria: ACMG Guidelines, 2015. Collection method: clinical testing. Allele origin: germline. Inheritance: Autosomal dominant inheritance. Observed: 5 variant alleles, 5 heterozygotes.
Comment: This missense variant replaces leucine with tryptophan at codon 2972 of the BRCA2 protein. Computational prediction is inconclusive regarding the impact of this variant on protein structure and function (internally defined REVEL score threshold 0.5 < inconclusive < 0.7, PMID: 27666373). Functional studies have reported that this variant has a partial or no impact on BRCA2 function in homology-mediated repair assays (PMID: 29394989, 35736817) and inconclusive impact on sensitivity to PARP inhibitors (PMID: 32444794). This variant has been reported in at least three individuals affected with breast and/or ovarian cancer, two individuals affected with prostate cancer, and at least seven unaffected individuals (PMID: 29752822, 32438681, 32853339, 33471991; Leiden Open Variation Database DB-ID BRCA2_000383). This variant has been identified in 8/249366 chromosomes in the general population by the Genome Aggregation Database (gnomAD). The available evidence is insufficient to determine the role of this variant in disease conclusively. Therefore, this variant is classified as a Variant of Uncertain Significance.

This study involves interpretation of variants in research participants for the purpose of population health screening. Participant phenotype was not available at the time of variant classification. Additional details can be found in publication PMID: 35346344, PMCID: PMC8962531

Quest Diagnostics Nichols Institute San Juan Capistrano
Classification: Uncertain significance. Last evaluated: 2023-07-20. Review status: criteria provided, single submitter. Criteria: Quest Diagnostics criteria. Collection method: clinical testing. Allele origin: unknown.
Comment: In the published literature, this variant has been reported in individuals with a personal history of breast and/or ovarian cancer (PMID: 32438681 (2020), 31227342 (2019)), or prostate cancer (PMID: 32853339 (2021)), or at high risk of hereditary breast cancer (PMID: 29752822 (2018)). In a large scale breast cancer association study, the variant was observed in breast cancer cases as well as unaffected control individuals (PMID: 33471991 (2021)). Experimental studies have demonstrated this variant has a neutral (PMID: 35736817 (2022), 22771033 (2012)) or intermediate (PMID: 29394989 (2018)) effect on BRCA2 protein function. The frequency of this variant in the general population, 0.000071 (8/112520 chromosomes (Genome Aggregation Database)), is uninformative in the assessment of its pathogenicity. Analysis of this variant using bioinformatics tools for the prediction of the effect of amino acid changes on protein structure and function yielded predictions that this variant is benign. Based on the available information, we are unable to determine the clinical significance of this variant.

Baylor Genetics
Classification: Uncertain significance for Familial cancer of breast. Last evaluated: 2023-07-13. Review status: criteria provided, single submitter. Criteria: ACMG Guidelines, 2015. Collection method: clinical testing. Allele origin: unknown.

Clinical Genetics Laboratory, Skane University Hospital Lund
Classification: Uncertain significance. Last evaluated: 2023-06-19. Review status: criteria provided, single submitter. Criteria: ACMG Guidelines, 2015. Collection method: clinical testing. Allele origin: germline. Affected: yes.

NM_000059.4(BRCA2):c.8915T>G (p.Leu2972Trp)

Gene: BRCA2 (BRCA2 DNA repair associated; plus strand). Cytogenetic location: 13q13.1.
Variant type: single nucleotide variant.
Coding change: c.8915T>G on transcript NM_000059.4 (MANE Select); coding-DNA position 8915, T replaced by G.
Protein change: p.Leu2972Trp; replaces leucine 2972 with tryptophan.
Molecular consequence: missense variant.
Genome position (GRCh38, 1-based): chr13:32,379,477, T>G. VCF-style: chr13-32379477-T-G. GRCh37 (hg19) VCF-style: chr13-32953614-T-G.
Other names: p.L2972W:TTG>TGG; short protein forms L2972W.
Identifiers: ClinVar variation 52700 (VCV000052700.38), dbSNP rs80359142, ClinGen allele CA025870.